The following is an entry in ClinVar:

NM_016219.5(MAN1B1):c.1255-5C>T

Gene: MAN1B1 (mannosidase alpha class 1B member 1; plus strand). Cytogenetic location: 9q34.3.
Variant type: single nucleotide variant.
Coding change: c.1255-5C>T on transcript NM_016219.5 (MANE Select); 5 bases into the intron before coding-DNA position 1255, C replaced by T.
Molecular consequence: intron variant.
Genome position (GRCh38, 1-based): chr9:137,106,120, C>T. VCF-style: chr9-137106120-C-T. GRCh37 (hg19) VCF-style: chr9-140000572-C-T.
Identifiers: ClinVar variation 129570 (VCV000129570.24), dbSNP rs73569532, ClinGen allele CA153651.

ClinVar aggregate classification (germline): Benign. Review status: criteria provided, multiple submitters, no conflicts (2 of 4 stars). 4 submissions from 4 submitters: Benign (3). 1 of the submissions does not count toward it. Last evaluated 2026-01-28.

Conditions:
Inborn genetic diseases. Identifiers: MedGen C0950123, MeSH D030342.
Rafiq syndrome (RAFQS). Identifiers: Orphanet 88616, MedGen C3280127, MONDO:0013624, OMIM 614202.

Allele frequency attached by ClinVar (database versions not stated): gnomAD exomes 0.00098 and 0.00264; ExAC 0.00350; 1000 Genomes Project 0.00919; gnomAD 0.00995 and 0.01076; 1000 Genomes Project 30x 0.01015; ESP Exome Variant Server 0.01030; TOPMed 0.01117.
gnomAD v4.1: 3,002 of 1,612,090 alleles (0.19%); highest among the groups gnomAD compares: African/African-American, 3.4%; 52 homozygotes.

Submissions (4):

Labcorp Genetics (formerly Invitae), Labcorp
Classification: Benign for Rafiq syndrome. Last evaluated: 2026-01-28. Review status: criteria provided, single submitter. Criteria: Invitae Variant Classification Sherloc (09022015). Collection method: clinical testing. Allele origin: germline.

Illumina Laboratory Services, Illumina
Classification: Benign for Rafiq syndrome. Last evaluated: 2018-01-13. Review status: criteria provided, single submitter. Criteria: ICSL Variant Classification Criteria 13 December 2019. Collection method: clinical testing. Allele origin: germline.
Comment: This variant was observed in the ICSL laboratory as part of a predisposition screen in an ostensibly healthy population. It had not been previously curated by ICSL or reported in the Human Gene Mutation Database (HGMD: prior to June 1st, 2018), and was therefore a candidate for classification through an automated scoring system. Utilizing variant allele frequency, disease prevalence and penetrance estimates, and inheritance mode, an automated score was calculated to assess if this variant is too frequent to cause the disease. Based on the score and internal cut-off values, a variant classified as benign is not then subjected to further curation. The score for this variant resulted in a classification of benign for this disease.

Ambry Genetics
Classification: Benign for Inborn genetic diseases. Last evaluated: 2017-09-21. Review status: criteria provided, single submitter. Criteria: Ambry Variant Classification Scheme 2023. Collection method: clinical testing. Allele origin: germline.

Genetic Services Laboratory, University of Chicago
Classification: Likely benign for AllHighlyPenetrant. Review status: no assertion criteria provided. Collection method: clinical testing. Allele origin: germline. Inheritance: Autosomal recessive inheritance. Not counted in ClinVar's aggregate classification.
Comment: Likely benign based on allele frequency in 1000 Genomes Project or ESP global frequency and its presence in a patient with a rare or unrelated disease phenotype. NOT Sanger confirmed.